The following is an entry in ClinVar:

NM_033109.5(PNPT1):c.92C>G (p.Thr31Ser)

Genes: PNPT1 (polyribonucleotide nucleotidyltransferase 1; minus strand), LOC129933770 (ATAC-STARR-seq lymphoblastoid active region 15785; plus strand). Cytogenetic location: 2p16.1.
Variant type: single nucleotide variant.
Coding change: c.92C>G on transcript NM_033109.5 (MANE Select); coding-DNA position 92, C replaced by G.
Protein change: p.Thr31Ser; replaces threonine 31 with serine.
Molecular consequence: missense variant.
Genome position (GRCh38, 1-based): chr2:55,693,732, G>C on the plus strand (C>G on the coding strand, the complement: PNPT1 is on the minus strand). VCF-style: chr2-55693732-G-C. GRCh37 (hg19) VCF-style: chr2-55920867-G-C.
Other names: p.Thr31Ser; short protein forms T31S.
Identifiers: ClinVar variation 1716202 (VCV001716202.7), dbSNP rs768834953, ClinGen allele CA346946210.
Genomic context (GRCh38, chr2:55,693,732, plus strand): 5'-AAGTCCACGGCCACAGCTCGAGACCCTGCGCTACTCCATAGTGCTCGCACTTGCAACTGG[G>C]TGAGTGCCCGATCCCGCCGTGGCAGAAGGAAAGGACCATCGCTCAGGGGCCGGAGCCGGA-3'
Protein context (NP_149100.2, residues 21-41): FLLPRRDRAL[Thr31Ser]QLQVRALWSS

ClinVar aggregate classification (germline): Uncertain significance. Review status: criteria provided, multiple submitters, no conflicts (2 of 4 stars). 2 submissions from 2 submitters: Uncertain significance (2). Last evaluated 2023-08-30.

gnomAD v4.1: 15 of 1,614,184 alleles (0.00093%); highest among the groups gnomAD compares: Non-Finnish European, 0.0013%; no homozygotes.

Submissions (2):

Mayo Clinic Laboratories, Mayo Clinic
Classification: Uncertain significance. Last evaluated: 2023-08-30. Review status: criteria provided, single submitter. Criteria: ACMG Guidelines, 2015. Collection method: clinical testing. Allele origin: germline. Observed: 1 variant allele.
Comment: BP4, PM2_moderate

Labcorp Genetics (formerly Invitae), Labcorp
Classification: Uncertain significance. Last evaluated: 2022-08-12. Review status: criteria provided, single submitter. Criteria: Invitae Variant Classification Sherloc (09022015). Collection method: clinical testing. Allele origin: germline.
Comment: In summary, the available evidence is currently insufficient to determine the role of this variant in disease. Therefore, it has been classified as a Variant of Uncertain Significance. Advanced modeling of protein sequence and biophysical properties (such as structural, functional, and spatial information, amino acid conservation, physicochemical variation, residue mobility, and thermodynamic stability) performed at Invitae indicates that this missense variant is not expected to disrupt PNPT1 protein function. This variant has not been reported in the literature in individuals affected with PNPT1-related conditions. This variant is not present in population databases (gnomAD no frequency). This sequence change replaces threonine, which is neutral and polar, with serine, which is neutral and polar, at codon 31 of the PNPT1 protein (p.Thr31Ser).